The following is an entry in ClinVar:

NM_001128178.3(NPHP1):c.395A>G (p.Glu132Gly)

Gene: NPHP1 (nephrocystin 1; minus strand). Cytogenetic location: 2q13.
Variant type: single nucleotide variant.
Coding change: c.395A>G on transcript NM_001128178.3 (MANE Select); coding-DNA position 395, A replaced by G.
Protein change: p.Glu132Gly; replaces glutamic acid 132 with glycine.
Molecular consequence: missense variant.
Genome position (GRCh38, 1-based): chr2:110,169,933, T>C on the plus strand (A>G on the coding strand, the complement: NPHP1 is on the minus strand). VCF-style: chr2-110169933-T-C. GRCh37 (hg19) VCF-style: chr2-110927510-T-C.
Other names: c.395A>G, p.Glu132Gly (NM_000272.5, NM_001374256.1, NM_001374257.1 and 1 more transcripts); c.209A>G, p.Glu70Gly (NM_001128179.3); short protein forms E132G, E70G.
Identifiers: ClinVar variation 2086892 (VCV002086892.4), dbSNP rs2467404807, ClinGen allele CA348093067.

ClinVar aggregate classification (germline): Uncertain significance (1 of 4 stars; one submission).

Conditions:
Nephronophthisis. Also called: Juvenile Nephronophthisis. Identifiers: Orphanet 655, MedGen C0687120, MONDO:0019005, HP:0000090.

Submission:

Labcorp Genetics (formerly Invitae), Labcorp
Classification: Uncertain significance for Nephronophthisis. Last evaluated: 2022-01-17. Review status: criteria provided, single submitter. Criteria: Invitae Variant Classification Sherloc (09022015). Collection method: clinical testing. Allele origin: germline.
Comment: This variant has not been reported in the literature in individuals affected with NPHP1-related conditions. This variant is not present in population databases (gnomAD no frequency). This sequence change replaces glutamic acid, which is acidic and polar, with glycine, which is neutral and non-polar, at codon 132 of the NPHP1 protein (p.Glu132Gly). Algorithms developed to predict the effect of missense changes on protein structure and function (SIFT, PolyPhen-2, Align-GVGD) all suggest that this variant is likely to be tolerated. In summary, the available evidence is currently insufficient to determine the role of this variant in disease. Therefore, it has been classified as a Variant of Uncertain Significance.